The following is an entry in ClinVar:

ClinVar aggregate classification (germline): Uncertain significance (1 of 4 stars; one submission).

Submission:

Labcorp Genetics (formerly Invitae), Labcorp
Classification: Uncertain significance. Last evaluated: 2022-07-19. Review status: criteria provided, single submitter. Criteria: Invitae Variant Classification Sherloc (09022015). Collection method: clinical testing. Allele origin: germline.
Comment: In summary, the available evidence is currently insufficient to determine the role of this variant in disease. Therefore, it has been classified as a Variant of Uncertain Significance. Advanced modeling of protein sequence and biophysical properties (such as structural, functional, and spatial information, amino acid conservation, physicochemical variation, residue mobility, and thermodynamic stability) performed at Invitae indicates that this missense variant is expected to disrupt COL4A4 protein function. This variant has not been reported in the literature in individuals affected with COL4A4-related conditions. This variant is not present in population databases (gnomAD no frequency). This sequence change replaces glycine, which is neutral and non-polar, with arginine, which is basic and polar, at codon 948 of the COL4A4 protein (p.Gly948Arg).

NM_000092.5(COL4A4):c.2842G>A (p.Gly948Arg)

Gene: COL4A4 (collagen type IV alpha 4 chain; minus strand). Cytogenetic location: 2q36.3.
Variant type: single nucleotide variant.
Coding change: c.2842G>A on transcript NM_000092.5 (MANE Select); coding-DNA position 2842, G replaced by A.
Protein change: p.Gly948Arg; replaces glycine 948 with arginine.
Molecular consequence: missense variant.
Genome position (GRCh38, 1-based): chr2:227,054,612, C>T on the plus strand (G>A on the coding strand, the complement: COL4A4 is on the minus strand). VCF-style: chr2-227054612-C-T. GRCh37 (hg19) VCF-style: chr2-227919328-C-T.
Other names: short protein forms G948R.
Identifiers: ClinVar variation 1941053 (VCV001941053.5), dbSNP rs2150219679, ClinGen allele CA350839978.